The following is an entry in ClinVar:

NM_005198.5(CHKB):c.582-182G>A

Genes: CHKB (choline kinase beta; minus strand), CHKB-CPT1B (CHKB-CPT1B readthrough (NMD candidate); minus strand). Cytogenetic location: 22q13.33.
Variant type: single nucleotide variant.
Coding change: c.582-182G>A on transcript NM_005198.5 (MANE Select); 182 bases into the intron before coding-DNA position 582, G replaced by A.
Molecular consequence: intron variant.
Genome position (GRCh38, 1-based): chr22:50,580,842, C>T on the plus strand (G>A on the coding strand, the complement: CHKB is on the minus strand). VCF-style: chr22-50580842-C-T. GRCh37 (hg19) VCF-style: chr22-51019271-C-T.
Identifiers: ClinVar variation 677338 (VCV000677338.2), dbSNP rs6010013, ClinGen allele CA325537746.

ClinVar aggregate classification (germline): Benign. Review status: criteria provided, multiple submitters, no conflicts (2 of 4 stars). 2 submissions from 2 submitters: Benign (2). Last evaluated 2018-06-18.

Allele frequency attached by ClinVar (database versions not stated): 1000 Genomes Project 30x 0.03966; 1000 Genomes Project 0.04093; TOPMed 0.05418; gnomAD 0.05779 and 0.05898; gnomAD exomes 0.05847.
gnomAD v4.1: 35,845 of 616,500 alleles (5.8%); highest among the groups gnomAD compares: Non-Finnish European, 6.7%; 1,182 homozygotes.

Submissions (2):

GeneDx
Classification: Benign. Last evaluated: 2018-06-18. Review status: criteria provided, single submitter. Criteria: GeneDx Variant Classification (06012015). Collection method: clinical testing. Allele origin: germline. Affected: yes.
Comment: This variant is considered likely benign or benign based on one or more of the following criteria: it is a conservative change, it occurs at a poorly conserved position in the protein, it is predicted to be benign by multiple in silico algorithms, and/or has population frequency not consistent with disease.

Breakthrough Genomics
Classification: Benign. Review status: criteria provided, single submitter. Criteria: ACMG Guidelines, 2015. Collection method: not provided. Allele origin: germline. Inheritance: Autosomal recessive inheritance. Affected: yes.